The following is an entry in ClinVar:

ClinVar aggregate classification (germline): Conflicting classifications of pathogenicity. Review status: criteria provided, conflicting classifications (1 of 4 stars). 5 submissions from 5 submitters: Uncertain significance (3); Benign (1); Likely benign (1). Last evaluated 2026-08-02.

Conditions:
Congenital factor VII deficiency. Identifiers: Orphanet 327, MedGen C0272320, MONDO:0009211, OMIM 227500.

Allele frequency attached by ClinVar (database versions not stated): gnomAD exomes 0.00022; ExAC 0.00152; 1000 Genomes Project 30x 0.00234; gnomAD 0.00234; 1000 Genomes Project 0.00240; TOPMed 0.00279; ESP Exome Variant Server 0.00349.
gnomAD v4.1: 698 of 1,597,778 alleles (0.044%); highest among the groups gnomAD compares: African/African-American, 0.78%; 3 homozygotes.

Submissions (5):

GeneDx
Classification: Uncertain significance. Last evaluated: 2026-08-02. Review status: criteria provided, single submitter. Criteria: GeneDx Variant Classification Process June 2021. Collection method: clinical testing. Allele origin: germline.
Comment: In silico analysis suggests that this variant does not alter splicing; This variant is associated with the following publications: (PMID: 37647632, 25582404)

Labcorp Genetics (formerly Invitae), Labcorp
Classification: Benign. Last evaluated: 2026-01-09. Review status: criteria provided, single submitter. Criteria: Invitae Variant Classification Sherloc (09022015). Collection method: clinical testing. Allele origin: germline.

Blueprint Genetics
Classification: Uncertain significance. Last evaluated: 2024-10-21. Review status: criteria provided, single submitter. Criteria: ACMG Guidelines, 2015. Collection method: clinical testing. Allele origin: germline.

Mayo Clinic Laboratories, Mayo Clinic
Classification: Likely benign. Last evaluated: 2024-04-26. Review status: criteria provided, single submitter. Criteria: ACMG Guidelines, 2015. Collection method: clinical testing. Allele origin: germline. Observed: 4 variant alleles.
Comment: BS1, BP4, BP7

ISTH-SSC Genomics in Thrombosis and Hemostasis, KU Leuven, Center for Molecular and Vascular Biology
Classification: Uncertain significance for Congenital factor VII deficiency. Review status: criteria provided, single submitter. Criteria: ACMG Guidelines, 2015. Collection method: clinical testing. Allele origin: germline. Affected: yes. Observed: 1 heterozygote.
Comment: Submitted to GoldVariant by Kathleen Freson, Center for Molecular and Vascular Biology, Leuven, Belgium

Literature cited by the submitters: PubMed 25582404 (cited by Mayo Clinic Laboratories, Mayo Clinic); PubMed 33477601 (cited by Mayo Clinic Laboratories, Mayo Clinic); PubMed 37521340 (cited by Mayo Clinic Laboratories, Mayo Clinic).

NM_019616.4(F7):c.64+937C>T

Gene: F7 (coagulation factor VII; plus strand). Cytogenetic location: 13q34.
Variant type: single nucleotide variant.
Coding change: c.64+937C>T on transcript NM_019616.4 (MANE Select); 937 bases into the intron after coding-DNA position 64, C replaced by T.
Molecular consequence: intron variant.
Genome position (GRCh38, 1-based): chr13:113,106,842, C>T. VCF-style: chr13-113106842-C-T. GRCh37 (hg19) VCF-style: chr13-113761156-C-T.
Other names: p.?; c.65-3C>T (NM_000131.5); c.64+937C>T (NM_001267554.2).
Identifiers: ClinVar variation 1703835 (VCV001703835.7), dbSNP rs184573698, ClinGen allele CA7059829.